The following is an entry in ClinVar:

ClinVar aggregate classification (germline): Likely pathogenic (1 of 4 stars; one submission).

Submission:

Mayo Clinic Laboratories, Mayo Clinic
Classification: Likely pathogenic. Last evaluated: 2022-12-05. Review status: criteria provided, single submitter. Criteria: ACMG Guidelines, 2015. Collection method: clinical testing. Allele origin: germline. Observed: 1 variant allele.
Comment: PM2, PVS1

NM_001142864.4(PIEZO1):c.1536del (p.Cys513fs)

Genes: HSALR1 (HSP90AB1 associated lncRNA 1; plus strand), PIEZO1 (piezo type mechanosensitive ion channel component 1 (Er blood group); minus strand). Cytogenetic location: 16q24.3.
Variant type: Deletion.
Coding change: c.1536del on transcript NM_001142864.4 (MANE Select); coding-DNA position 1536, one base deleted (C; older notation c.1536delC).
Protein change: p.Cys513fs; shifts the reading frame from cysteine 513.
Molecular consequence: frameshift variant.
Genome position (GRCh38, 1-based): chr16:88,736,169, G deleted on the plus strand (C on the coding strand, the reverse complement: PIEZO1 is on the minus strand); the first of 4 consecutive G bases (chr16:88,736,169-88,736,172); deleting any one gives the same sequence. VCF-style (leftmost placement, unchanged base first): chr16-88736168-AG-A. GRCh37 (hg19) VCF-style: chr16-88802576-AG-A.
Other names: c.78delC, p.Cys28Valfs (NM_014745.1); short protein forms C513fs.
Identifiers: ClinVar variation 2683508 (VCV002683508.1), dbSNP rs1567674182, ClinGen allele CA624449625.